The following is an entry in ClinVar:

ClinVar aggregate classification (germline): Likely benign. Review status: criteria provided, multiple submitters, no conflicts (2 of 4 stars). 2 submissions from 2 submitters: Likely benign (2). Last evaluated 2026-01-21.

Conditions:
Charcot-Marie-Tooth disease type 2E (CMT2E). Also called: CHARCOT-MARIE-TOOTH DISEASE, AXONAL, TYPE 2E; CHARCOT-MARIE-TOOTH NEUROPATHY, TYPE 2E. Identifiers: Orphanet 99939, MedGen C1843225, MONDO:0011894, OMIM 607684.

Allele frequency attached by ClinVar (database versions not stated): gnomAD 0.00001 and 0.00002; gnomAD exomes 0.00001 and 0.00002; TOPMed 0.00001; ExAC 0.00002.
gnomAD v4.1: 30 of 1,613,608 alleles (0.0019%); highest among the groups gnomAD compares: Middle Eastern, 0.049%; no homozygotes.

Submissions (2):

Labcorp Genetics (formerly Invitae), Labcorp
Classification: Likely benign for Charcot-Marie-Tooth disease type 2E. Last evaluated: 2026-01-21. Review status: criteria provided, single submitter. Criteria: Invitae Variant Classification Sherloc (09022015). Collection method: clinical testing. Allele origin: germline.

CeGaT Center for Human Genetics Tuebingen
Classification: Likely benign. Last evaluated: 2023-04-01. Review status: criteria provided, single submitter. Criteria: CeGaT Center For Human Genetics Tuebingen Variant Classification Criteria Version 2. Collection method: clinical testing. Allele origin: germline. Affected: yes. Observed: 2 variant alleles.
Comment: NEFL: BP4, BP7

NM_006158.5(NEFL):c.1131C>T (p.Asn377=)

Genes: NEFL (neurofilament light chain; minus strand), LOC126860330 (BRD4-independent group 4 enhancer GRCh37_chr8:24811677-24812876; plus strand). Cytogenetic location: 8p21.2.
Variant type: single nucleotide variant.
Coding change: c.1131C>T on transcript NM_006158.5 (MANE Select); coding-DNA position 1131, C replaced by T.
Protein change: p.Asn377=; no amino-acid change (asparagine 377 retained).
Molecular consequence: synonymous variant.
Genome position (GRCh38, 1-based): chr8:24,954,219, G>A on the plus strand (C>T on the coding strand, the complement: NEFL is on the minus strand). VCF-style: chr8-24954219-G-A. GRCh37 (hg19) VCF-style: chr8-24811733-G-A.
Identifiers: ClinVar variation 624318 (VCV000624318.47), dbSNP rs754118787, ClinGen allele CA4681342.